The following is an entry in ClinVar:

ClinVar aggregate classification (germline): Conflicting classifications of pathogenicity. Review status: criteria provided, conflicting classifications (1 of 4 stars). 14 submissions from 14 submitters: Uncertain significance (7); Likely benign (7). Last evaluated 2026-01-22.

Conditions:
Peutz-Jeghers syndrome (PJS). Also called: Peutz-Jeghers polyposis; Periorificial lentiginosis syndrome; POLYPOSIS, HAMARTOMATOUS INTESTINAL; POLYPS-AND-SPOTS SYNDROME. Identifiers: Orphanet 2869, MedGen C0031269, MeSH D010580, MONDO:0008280, OMIM 175200.
Familial pancreatic carcinoma. Identifiers: Orphanet 1333, MedGen C2931038, MONDO:0015278, OMIM 260350.
STK11-related disorder. Also called: STK11-related condition.
Hereditary cancer-predisposing syndrome. Also called: Tumor predisposition; Neoplastic Syndromes, Hereditary; Hereditary neoplastic syndrome; Hereditary Cancer Syndrome. Identifiers: Orphanet 140162, MedGen C0027672, MeSH D009386, MONDO:0015356.

Allele frequency attached by ClinVar (database versions not stated): TOPMed 0.00005.
gnomAD v4.1: 14 of 1,542,538 alleles (0.00091%); highest among the groups gnomAD compares: Admixed American, 0.014%; no homozygotes.

Submissions (14):

Women's Health and Genetics/Laboratory Corporation of America, LabCorp
Classification: Uncertain significance. Last evaluated: 2026-01-22. Review status: criteria provided, single submitter. Criteria: LabCorp Variant Classification Summary - May 2015. Collection method: clinical testing. Allele origin: germline.
Comment: Variant summary: STK11 c.1283C>G (p.Ser428Trp) results in a non-conservative amino acid change in the encoded protein sequence. Algorithms developed to predict the effect of missense changes on protein structure and function are either unavailable or do not agree on the potential impact of this missense change. The variant allele was found at a frequency of 3.6e-05 in 140794 control chromosomes. The available data on variant occurrences in the general population are insufficient to allow any conclusion about variant significance. c.1283C>G has been reported in the literature in an individual being evaluated for Lynch Syndrome (Yurgelun_2015). This report does not provide unequivocal conclusions about association of the variant with Peutz-Jeghers Syndrome. To our knowledge, no experimental evidence demonstrating an impact on protein function has been reported. These report(s) do not provide unequivocal conclusions about association of the variant with Peutz-Jeghers Syndrome. To our knowledge, no experimental evidence demonstrating an impact on protein function has been reported. The following publications have been ascertained in the context of this evaluation (PMID: 30287823, 25980754). ClinVar contains an entry for this variant (Variation ID: 141156). Based on the evidence outlined above, the variant was classified as uncertain significance.

Labcorp Genetics (formerly Invitae), Labcorp
Classification: Likely benign for Peutz-Jeghers syndrome. Last evaluated: 2026-01-09. Review status: criteria provided, single submitter. Criteria: Invitae Variant Classification Sherloc (09022015). Collection method: clinical testing. Allele origin: germline.

PreventionGenetics, part of Exact Sciences
Classification: Likely benign for STK11-related condition. Last evaluated: 2025-12-30. Review status: criteria provided, single submitter. Criteria: ACMG Guidelines, 2015. Collection method: clinical testing. Allele origin: germline.
Comment: This variant is classified as likely benign based on ACMG/AMP sequence variant interpretation guidelines (Richards et al. 2015 PMID: 25741868, with internal and published modifications).

Myriad Genetics, Inc.
Classification: Likely benign for Peutz-Jeghers syndrome. Last evaluated: 2025-11-18. Review status: criteria provided, single submitter. Criteria: Myriad Autosomal Dominant, Autosomal Recessive and X-Linked Classification Criteria (2023). Collection method: clinical testing. Allele origin: unknown.
Comment: This variant is considered likely benign. Homozygosity has been confirmed in one or more individuals. As homozygosity for pathogenic variants in this gene is generally assumed to result in embryonic lethality, this variant is unlikely to be pathogenic.

Quest Diagnostics Nichols Institute San Juan Capistrano
Classification: Uncertain significance. Last evaluated: 2025-09-15. Review status: criteria provided, single submitter. Criteria: Quest Diagnostics criteria. Collection method: clinical testing. Allele origin: unknown.
Comment: The STK11 c.1283C>G (p.Ser428Trp) variant has been reported in the published literature in an individual with Lynch syndrome-associated cancer and/or polyps (PMID: 25980754 (2015)) and in an individual with breast cancer (PMID: 35534704 (2022)). It has also been found in reportedly unaffected individuals (PMIDs: 30287823 (2018) and 36243179 (2022)). The frequency of this variant in the general population (Genome Aggregation Database) is higher than would generally be expected for pathogenic variants in this gene. Analysis of this variant using bioinformatics tools for the prediction of the effect of amino acid changes on protein structure and function yielded predictions that this variant is damaging. Based on the available information, we are unable to determine the clinical significance of this variant.

Center for Genomic Medicine, Rigshospitalet, Copenhagen University Hospital
Classification: Uncertain significance. Last evaluated: 2025-03-04. Review status: criteria provided, single submitter. Criteria: ACMG Guidelines, 2015. Collection method: clinical testing. Allele origin: germline.

GeneDx
Classification: Uncertain significance. Last evaluated: 2024-06-12. Review status: criteria provided, single submitter. Criteria: GeneDx Variant Classification Process June 2021. Collection method: clinical testing. Allele origin: germline. Affected: yes.
Comment: In silico analysis supports that this missense variant has a deleterious effect on protein structure/function; Observed in individuals with Lynch syndrome-associated cancer and/or polyps (PMID: 25980754); This variant is associated with the following publications: (PMID: 30287823, 11297520, 23612973, 18321849, 28900777, 18854309, 18854318, 36243179, 25980754)

Blueprint Genetics
Classification: Likely benign. Last evaluated: 2024-05-13. Review status: criteria provided, single submitter. Criteria: ACMG Guidelines, 2015. Collection method: clinical testing. Allele origin: germline.

Mayo Clinic Laboratories, Mayo Clinic
Classification: Uncertain significance. Last evaluated: 2022-07-20. Review status: criteria provided, single submitter. Criteria: ACMG Guidelines, 2015. Collection method: clinical testing. Allele origin: germline. Observed: 1 variant allele.
Comment: BS1

Department of Pathology and Laboratory Medicine, Sinai Health System
Classification: Uncertain significance for Peutz-Jeghers syndrome; Familial pancreatic carcinoma. Last evaluated: 2021-12-06. Review status: criteria provided, single submitter. Criteria: ACMG Guidelines, 2015. Collection method: clinical testing. Allele origin: germline. Affected: yes.

Genome-Nilou Lab
Classification: Uncertain significance for Peutz-Jeghers syndrome. Last evaluated: 2021-07-15. Review status: criteria provided, single submitter. Criteria: ACMG Guidelines, 2015. Collection method: clinical testing. Allele origin: germline. Affected: no.

Sema4
Classification: Likely benign for Hereditary cancer-predisposing syndrome. Last evaluated: 2020-11-30. Review status: criteria provided, single submitter. Criteria: Sema4 Curation Guidelines. Collection method: curation. Allele origin: germline.

Color Diagnostics, LLC DBA Color Health
Classification: Likely benign for Hereditary cancer-predisposing syndrome. Last evaluated: 2020-03-09. Review status: criteria provided, single submitter. Criteria: ACMG Guidelines, 2015. Collection method: clinical testing. Allele origin: germline.

Ambry Genetics
Classification: Likely benign for Hereditary cancer-predisposing syndrome. Last evaluated: 2019-03-05. Review status: criteria provided, single submitter. Criteria: Ambry Variant Classification Scheme 2023. Collection method: clinical testing. Allele origin: germline.

Literature cited by the submitters: PubMed 25980754 (cited by 4 submitters); PubMed 30287823 (cited by 3 submitters); PubMed 18854309 (cited by Quest Diagnostics Nichols Institute San Juan Capistrano and Ambry Genetics); PubMed 18854318 (cited by Quest Diagnostics Nichols Institute San Juan Capistrano); PubMed 11297520 (cited by Quest Diagnostics Nichols Institute San Juan Capistrano); PubMed 35534704 (cited by Quest Diagnostics Nichols Institute San Juan Capistrano); PubMed 36243179 (cited by Quest Diagnostics Nichols Institute San Juan Capistrano); PubMed 23612973 (cited by Ambry Genetics).

NM_000455.5(STK11):c.1283C>G (p.Ser428Trp)

Gene: STK11 (serine/threonine kinase 11; plus strand). Cytogenetic location: 19p13.3.
Variant type: single nucleotide variant.
Coding change: c.1283C>G on transcript NM_000455.5 (MANE Select); coding-DNA position 1283, C replaced by G.
Protein change: p.Ser428Trp; replaces serine 428 with tryptophan.
Molecular consequence: missense variant.
Genome position (GRCh38, 1-based): chr19:1,226,628, C>G. VCF-style: chr19-1226628-C-G. GRCh37 (hg19) VCF-style: chr19-1226627-C-G.
Other names: short protein forms S428W.
Identifiers: ClinVar variation 141156 (VCV000141156.39), dbSNP rs587781537, ClinGen allele CA022599.